The following is an entry in ClinVar:

Conditions:
Breast-ovarian cancer, familial, susceptibility to, 1 (BROVCA1). Also called: BRCA1 Hereditary Breast and Ovarian Cancer; OVARIAN CANCER, SUSCEPTIBILITY TO. Identifiers: Orphanet 145, MedGen C2676676, MONDO:0011450, OMIM 604370. Disease mechanism: loss of function.

Submission:

Brotman Baty Institute, University of Washington
No classification provided (evidence only). Condition: Breast-ovarian cancer, familial 1. Review status: no classification provided. Collection method: in vitro. Allele origin: not applicable. Functional consequence: functionally_normal.
ClinVar note: "not provided" was previously submitted as the classification for the variant. However, the classification appeared to be based only on an observation of functional data so it was converted to no classification on 2025-07-30.

NM_007294.4(BRCA1):c.-2A>C

Gene: BRCA1 (BRCA1 DNA repair associated; minus strand). Cytogenetic location: 17q21.31.
Variant type: single nucleotide variant.
Coding change: c.-2A>C on transcript NM_007294.4 (MANE Select); 2 bases upstream of the start codon, A replaced by C.
Molecular consequence: 5 prime UTR variant. On other transcripts: intron variant (36).
Genome position (GRCh38, 1-based): chr17:43,124,098, T>G on the plus strand (A>C on the coding strand, the complement: BRCA1 is on the minus strand). VCF-style: chr17-43124098-T-G. GRCh37 (hg19) VCF-style: chr17-41276115-T-G.
Other names: c.-190A>C (NM_001408490.1, NM_001408491.1, NM_001408493.1 and 46 more transcripts); c.-306A>C (NM_001408492.1, NM_001407889.1); c.-2A>C (NM_001408494.1, NM_001408495.1, NM_001407581.1 and 193 more transcripts); c.-89A>C (NM_001408496.1, NM_001408498.1, NM_007297.4 and 23 more transcripts); c.-266A>C (NM_001408497.1, NM_001407741.1, NM_001407934.1); c.-262A>C (NM_001408499.1, NM_001408500.1, NM_001408503.1 and 22 more transcripts); c.-259A>C (NM_001408501.1, NM_001407749.1, NM_001407842.1 and 11 more transcripts); c.-309A>C (NM_001408513.1, NM_001407917.1, NM_001407954.1); and 23 more.
Identifiers: ClinVar variation 864975 (VCV000864975.3), dbSNP rs273899693, ClinGen allele CA916081136.
Genomic context (GRCh38, chr17:43,124,098, plus strand): 5'-TTCTGCATAGCATTAATGACATTTTGTACTTCTTCAACGCGAAGAGCAGATAAATCCATT[T>G]CTTTCTGTTCCAATGAACTTTAACACATTAGAAAAACATATATATATATCTTTTTAAAAG-3'